The following is an entry in ClinVar:

ClinVar aggregate classification (germline): Benign. Review status: criteria provided, multiple submitters, no conflicts (2 of 4 stars). 4 submissions from 4 submitters: Benign (3). 1 of the submissions does not count toward it. Last evaluated 2018-06-14.

Allele frequency attached by ClinVar (database versions not stated): 1000 Genomes Project 0.27216; 1000 Genomes Project 30x 0.27686; gnomAD exomes 0.31766; ExAC 0.32599; gnomAD 0.35804 and 0.36516; TOPMed 0.35879; ESP Exome Variant Server 0.39022.
gnomAD v4.1: 538,321 of 1,474,422 alleles (37%); highest among the groups gnomAD compares: African/African-American, 42%; 102,844 homozygotes.

Submissions (4):

GeneDx
Classification: Benign. Last evaluated: 2018-06-14. Review status: criteria provided, single submitter. Criteria: GeneDx Variant Classification (06012015). Collection method: clinical testing. Allele origin: germline. Affected: yes.
Comment: This variant is considered likely benign or benign based on one or more of the following criteria: it is a conservative change, it occurs at a poorly conserved position in the protein, it is predicted to be benign by multiple in silico algorithms, and/or has population frequency not consistent with disease.

Breakthrough Genomics
Classification: Benign. Review status: criteria provided, single submitter. Criteria: ACMG Guidelines, 2015. Collection method: not provided. Allele origin: germline. Inheritance: Autosomal recessive inheritance. Affected: yes.

PreventionGenetics, part of Exact Sciences
Classification: Benign. Review status: criteria provided, single submitter. Criteria: ACMG Guidelines, 2015. Collection method: clinical testing. Allele origin: germline.

Genetic Services Laboratory, University of Chicago
Classification: Likely benign for AllHighlyPenetrant. Review status: no assertion criteria provided. Collection method: clinical testing. Allele origin: germline. Inheritance: Autosomal recessive inheritance. Observed: 1 variant allele. Not counted in ClinVar's aggregate classification.
Comment: Likely benign based on allele frequency in 1000 Genomes Project or ESP global frequency and its presence in a patient with a rare or unrelated disease phenotype. NOT Sanger confirmed.

NM_024809.5(TCTN2):c.1235-28A>G

Gene: TCTN2 (tectonic family member 2; plus strand). Cytogenetic location: 12q24.31.
Variant type: single nucleotide variant.
Coding change: c.1235-28A>G on transcript NM_024809.5 (MANE Select); 28 bases into the intron before coding-DNA position 1235, A replaced by G.
Molecular consequence: intron variant.
Genome position (GRCh38, 1-based): chr12:123,695,192, A>G. VCF-style: chr12-123695192-A-G. GRCh37 (hg19) VCF-style: chr12-124179739-A-G.
Other names: c.1232-28A>G (NM_001143850.3).
Identifiers: ClinVar variation 126284 (VCV000126284.8), dbSNP rs12831081, ClinGen allele CA150958.